The following is an entry in ClinVar:

ClinVar aggregate classification (germline): Uncertain significance (1 of 4 stars; one submission).

Conditions:
Atrial septal defect 6 (ASD6). Identifiers: Orphanet 1478, MedGen C2751315, MONDO:0013123, OMIM 613087.

gnomAD v4.1: 3 of 1,612,332 alleles (0.00019%); highest among the groups gnomAD compares: African/African-American, 0.0013%; no homozygotes.

Submission:

Dr. med. U. Finckh, Human Genetics, Eurofins MVZ
Classification: Uncertain significance for Atrial septal defect 6. Last evaluated: 2021-06-21. Review status: criteria provided, single submitter. Criteria: ACMG Guidelines, 2015. Collection method: clinical testing. Allele origin: unknown. Observed: 1 heterozygote.
Comment: Currently, the evidence for a pathogenic relevance of TLL1 LOF variants is insufficient.

NM_012464.5(TLL1):c.985C>T (p.Arg329Ter)

Genes: TLL1 (tolloid like 1; plus strand), LOC123493235 (Sharpr-MPRA regulatory region 2915; plus strand). Cytogenetic location: 4q32.3.
Variant type: single nucleotide variant.
Coding change: c.985C>T on transcript NM_012464.5 (MANE Select); coding-DNA position 985, C replaced by T.
Protein change: p.Arg329Ter; replaces arginine 329 with a stop codon.
Molecular consequence: nonsense.
Genome position (GRCh38, 1-based): chr4:166,014,503, C>T. VCF-style: chr4-166014503-C-T. GRCh37 (hg19) VCF-style: chr4-166935655-C-T.
Other names: c.985C>T, p.Arg329Ter (NM_001204760.2); short protein forms R329*.
Identifiers: ClinVar variation 2581026 (VCV002581026.1), dbSNP rs761905682, ClinGen allele CA358789799.